The following is an entry in ClinVar:

ClinVar aggregate classification (germline): Uncertain significance (1 of 4 stars; one submission).

Conditions:
Leigh syndrome (NULS). Also called: Leigh's necrotizing encephalopathy; Leigh's disease; Leigh Syndrome (mtDNA deletion); Leigh Disease; Subacute necrotizing encephalopathy; Necrotizing encephalopathy infantile subacute of Leigh. Identifiers: Orphanet 506, MedGen C2931891, MONDO:0009723, OMIM 256000.

Submission:

Wong Mito Lab, Molecular and Human Genetics, Baylor College of Medicine
Classification: Uncertain significance for Leigh syndrome. Last evaluated: 2019-10-17. Review status: criteria provided, single submitter. Criteria: Modified ACMG Guidelines (Unpublished). Collection method: clinical testing. Allele origin: germline.
Comment: The NC_012920.1:m.8502A>T (YP_003024030.1:p.Asn46Ile) variant in MTATP8 gene is interpretated to be a Uncertain Significance variant based on the modified ACMG guidelines (unpublished). This variant meets the following evidence codes: BS4

NC_012920.1(MT-ATP8):m.8502A>T

Gene: MT-ATP8 (mitochondrially encoded ATP synthase 8; plus strand).
Variant type: single nucleotide variant.
Genome position: chrM-8502-A-T.
Identifiers: ClinVar variation 692879 (VCV000692879.1), dbSNP rs879247004, ClinGen allele CA414796385.
Genomic context (GRCh38, chrMT:8,502, plus strand): 5'-TAAAAATATTAAACACAAACTACCACCTACCTCCCTCACCAAAGCCCATAAAAATAAAAA[A>T]TTATAACAAACCCTGAGAACCAAAATGAACGAAAATCTGTTCGCTTCATTCATTGCCCCC-3'